The following is an entry in ClinVar:

NM_015459.5(ATL3):c.1037C>T (p.Ala346Val)

Genes: ATL3 (atlastin GTPase 3; minus strand), LNCROPM (lncRNA regulator of PLAAT3 mediated phospholipid metabolism; plus strand). Cytogenetic location: 11q13.1.
Variant type: single nucleotide variant.
Coding change: c.1037C>T on transcript NM_015459.5 (MANE Select); coding-DNA position 1037, C replaced by T.
Protein change: p.Ala346Val; replaces alanine 346 with valine.
Molecular consequence: missense variant.
Genome position (GRCh38, 1-based): chr11:63,633,096, G>A on the plus strand (C>T on the coding strand, the complement: ATL3 is on the minus strand). VCF-style: chr11-63633096-G-A. GRCh37 (hg19) VCF-style: chr11-63400568-G-A.
Other names: c.983C>T, p.Ala328Val (NM_001290048.2); short protein forms A328V, A346V.
Identifiers: ClinVar variation 1518999 (VCV001518999.8), dbSNP rs2134466173, ClinGen allele CA381025850.
Genomic context (GRCh38, chr11:63,633,096, plus strand): 5'-TTGTTATAATAAATGTCCTTGGCAGAGGCTGCAGCTGCTAAGTTGTTGGCTTCAGCAGTG[G>A]CCTTTTAAGAGAGAAAAACGTGAACTGTAAATCCTTCCTCTTTTAACATTCCTCCACAAA-3'
Protein context (NP_056274.3, residues 336-356): DLPHPKSMLQ[Ala346Val]TAEANNLAAA

ClinVar aggregate classification (germline): Uncertain significance (1 of 4 stars; one submission).

Conditions:
Neuropathy, hereditary sensory, type 1F. Also called: HSN IF; Hereditary sensory neuropathy type IF. Identifiers: Orphanet 36386, MedGen C3810194, MONDO:0014286, OMIM 615632.

Submission:

Labcorp Genetics (formerly Invitae), Labcorp
Classification: Uncertain significance for Neuropathy, hereditary sensory, type 1F. Last evaluated: 2021-05-13. Review status: criteria provided, single submitter. Criteria: Invitae Variant Classification Sherloc (09022015). Collection method: clinical testing. Allele origin: germline.
Comment: In summary, the available evidence is currently insufficient to determine the role of this variant in disease. Therefore, it has been classified as a Variant of Uncertain Significance. Algorithms developed to predict the effect of sequence changes on RNA splicing suggest that this variant may create or strengthen a splice site, but this prediction has not been confirmed by published transcriptional studies. Algorithms developed to predict the effect of missense changes on protein structure and function (SIFT, PolyPhen-2, Align-GVGD) all suggest that this variant is likely to be disruptive, but these predictions have not been confirmed by published functional studies and their clinical significance is uncertain. This variant has not been reported in the literature in individuals with ATL3-related conditions. This variant is not present in population databases (ExAC no frequency). This sequence change replaces alanine with valine at codon 346 of the ATL3 protein (p.Ala346Val). The alanine residue is highly conserved and there is a small physicochemical difference between alanine and valine.